The following is an entry in ClinVar:

NM_001458.5(FLNC):c.3297A>G (p.Val1099=)

Gene: FLNC (filamin C; plus strand). Cytogenetic location: 7q32.1.
Variant type: single nucleotide variant.
Coding change: c.3297A>G on transcript NM_001458.5 (MANE Select); coding-DNA position 3297, A replaced by G.
Protein change: p.Val1099=; no amino-acid change (valine 1099 retained).
Molecular consequence: synonymous variant.
Genome position (GRCh38, 1-based): chr7:128,844,762, A>G. VCF-style: chr7-128844762-A-G. GRCh37 (hg19) VCF-style: chr7-128484816-A-G.
Other names: p.Val1099=; c.3297A>G, p.Val1099= (NM_001127487.2).
Identifiers: ClinVar variation 129084 (VCV000129084.29), dbSNP rs3734973, ClinGen allele CA152844.
Genomic context (GRCh38, chr7:128,844,762, plus strand): 5'-CCCCGCGCCATTCTCCATCGACACCAAGGGGGCTGGCACAGGTGGCCTGGGGCTGACCGT[A>G]GAGGGCCCCTGCGAGGCCAAGATCGAGTGCCAGGACAATGGTGATGGCTCATGTGCTGTC-3'
Protein context (NP_001449.3, residues 1089-1109): GAGTGGLGLT[Val1099=]EGPCEAKIEC

ClinVar aggregate classification (germline): Benign. Review status: criteria provided, multiple submitters, no conflicts (2 of 4 stars). 14 submissions from 14 submitters: Benign (12). 2 of the submissions do not count toward it. Last evaluated 2026-02-04.

Conditions:
Myofibrillar myopathy 5. Also called: Filaminopathy (type); FILAMINOPATHY, AUTOSOMAL DOMINANT. Identifiers: Orphanet 171445, MedGen C1836050, MONDO:0012289, OMIM 609524.
Distal myopathy with posterior leg and anterior hand involvement. Also called: WILLIAMS DISTAL MYOPATHY. Identifiers: Orphanet 63273, MedGen C3279722, MONDO:0013550, OMIM 614065.
Hypertrophic cardiomyopathy 26. Also called: Cardiomyopathy, familial hypertrophic, 26. Identifiers: Orphanet 75249, MedGen C4310749, MONDO:0014883, OMIM 617047.
Cardiovascular phenotype. Identifiers: MedGen CN230736.

Allele frequency attached by ClinVar (database versions not stated): gnomAD exomes 0.18634 and 0.22464; ExAC 0.23396; ESP Exome Variant Server 0.28072; gnomAD 0.28528 and 0.28603; TOPMed 0.30036; 1000 Genomes Project 30x 0.37976; 1000 Genomes Project 0.37999.
gnomAD v4.1: 316,763 of 1,613,820 alleles (20%); highest among the groups gnomAD compares: African/African-American, 55%; 38,849 homozygotes.

Submissions (14):

Labcorp Genetics (formerly Invitae), Labcorp
Classification: Benign for Distal myopathy with posterior leg and anterior hand involvement; Myofibrillar myopathy 5; Hypertrophic cardiomyopathy 26. Last evaluated: 2026-02-04. Review status: criteria provided, single submitter. Criteria: Invitae Variant Classification Sherloc (09022015). Collection method: clinical testing. Allele origin: germline.

Molecular Diagnostic Laboratory for Inherited Cardiovascular Disease, Montreal Heart Institute
Classification: Benign. Last evaluated: 2025-04-09. Review status: criteria provided, single submitter. Criteria: ACMG Guidelines, 2015. Collection method: clinical testing. Allele origin: germline. Affected: no.

Blueprint Genetics
Classification: Benign. Last evaluated: 2024-11-27. Review status: criteria provided, single submitter. Criteria: ACMG Guidelines, 2015. Collection method: clinical testing. Allele origin: germline.

Mayo Clinic Laboratories, Mayo Clinic
Classification: Benign. Last evaluated: 2022-04-26. Review status: criteria provided, single submitter. Criteria: ACMG Guidelines, 2015. Collection method: clinical testing. Allele origin: germline. Observed: 664 variant alleles.

Women's Health and Genetics/Laboratory Corporation of America, LabCorp
Classification: Benign. Last evaluated: 2021-07-08. Review status: criteria provided, single submitter. Criteria: LabCorp Variant Classification Summary - May 2015. Collection method: clinical testing. Allele origin: germline.

Ambry Genetics
Classification: Benign for Cardiovascular phenotype. Last evaluated: 2018-12-21. Review status: criteria provided, single submitter. Criteria: Ambry Variant Classification Scheme 2023. Collection method: clinical testing. Allele origin: germline.

Athena Diagnostics
Classification: Benign. Last evaluated: 2017-09-12. Review status: criteria provided, single submitter. Criteria: Athena Diagnostics Criteria. Collection method: clinical testing. Allele origin: germline.

GeneDx
Classification: Benign. Last evaluated: 2016-01-05. Review status: criteria provided, single submitter. Criteria: GeneDx Variant Classification (06012015). Collection method: clinical testing. Allele origin: germline. Affected: yes.
Comment: This variant is considered likely benign or benign based on one or more of the following criteria: it is a conservative change, it occurs at a poorly conserved position in the protein, it is predicted to be benign by multiple in silico algorithms, and/or has population frequency not consistent with disease.

PreventionGenetics, part of Exact Sciences
Classification: Benign. Last evaluated: 2015-12-30. Review status: criteria provided, single submitter. Criteria: ACMG Guidelines, 2015. Collection method: clinical testing. Allele origin: germline.

Laboratory for Molecular Medicine, Mass General Brigham Personalized Medicine
Classification: Benign. Last evaluated: 2015-01-13. Review status: criteria provided, single submitter. Criteria: LMM Criteria. Collection method: clinical testing. Allele origin: germline. Observed: 9 variant alleles.
Comment: p.Val1099Val in exon 21 of FLNC: This variant is not expected to have clinical s ignificance because it does not alter an amino acid residue and is not located w ithin the splice consensus sequence. It has been identified in 48.3% (1996/4136) of African American chromosomes from a broad population by the NHLBI Exome Sequ encing Project (dbSNP rs3734973).

Genetic Services Laboratory, University of Chicago
Classification: Benign for AllHighlyPenetrant. Last evaluated: 2013-08-15. Review status: criteria provided, single submitter. Criteria: ACMG Guidelines, 2007. Collection method: clinical testing. Allele origin: germline. Inheritance: Autosomal dominant inheritance.

Breakthrough Genomics
Classification: Benign. Review status: criteria provided, single submitter. Criteria: ACMG Guidelines, 2015. Collection method: not provided. Allele origin: germline. Inheritance: Autosomal dominant inheritance. Affected: yes.

Clinical Genetics, Academic Medical Center
Classification: Benign. Review status: no assertion criteria provided. Collection method: clinical testing. Allele origin: germline. Affected: yes. Study: VKGL Data-share Consensus. Not counted in ClinVar's aggregate classification.

Joint Genome Diagnostic Labs from Nijmegen and Maastricht, Radboudumc and MUMC+
Classification: Benign. Review status: no assertion criteria provided. Collection method: clinical testing. Allele origin: germline. Affected: yes. Study: VKGL Data-share Consensus. Not counted in ClinVar's aggregate classification.